The following is an entry in ClinVar:

NM_016169.4(SUFU):c.1037G>C (p.Ser346Thr)

Gene: SUFU (SUFU negative regulator of hedgehog signaling; plus strand). Cytogenetic location: 10q24.32.
Variant type: single nucleotide variant.
Coding change: c.1037G>C on transcript NM_016169.4 (MANE Select); coding-DNA position 1037, G replaced by C.
Protein change: p.Ser346Thr; replaces serine 346 with threonine.
Molecular consequence: missense variant.
Genome position (GRCh38, 1-based): chr10:102,615,282, G>C. VCF-style: chr10-102615282-G-C. GRCh37 (hg19) VCF-style: chr10-104375039-G-C.
Other names: c.1037G>C, p.Ser346Thr (NM_001178133.2); short protein forms S346T.
Identifiers: ClinVar variation 5030447 (VCV005030447.1).
Genomic context (GRCh38, chr10:102,615,282, plus strand): 5'-GAGCTTTTCACCTTGTGCCGAACCTTTTCCTGTGCTTGCTTCACAGGAGCCGCAAAGACA[G>C]CCTGGAAAGTGACAGCTCCACGGCCATCATTCCCCATGAGCTGATTCGCACGCGGCAGCT-3'
Protein context (NP_057253.2, residues 336-356): AHDRAPSRKD[Ser346Thr]LESDSSTAII

ClinVar aggregate classification (germline): Uncertain significance (1 of 4 stars; one submission).

Conditions:
Hereditary cancer-predisposing syndrome. Also called: Neoplastic Syndromes, Hereditary; Tumor predisposition; Hereditary neoplastic syndrome; Hereditary Cancer Syndrome. Identifiers: Orphanet 140162, MedGen C0027672, MeSH D009386, MONDO:0015356.

Submission:

Ambry Genetics
Classification: Uncertain significance for Hereditary cancer-predisposing syndrome. Last evaluated: 2026-08-20. Review status: criteria provided, single submitter. Criteria: Ambry Variant Classification Scheme 2023. Collection method: clinical testing. Allele origin: germline.
Comment: The p.S346T variant (also known as c.1037G>C), located in coding exon 9 of the SUFU gene, results from a G to C substitution at nucleotide position 1037. The serine at codon 346 is replaced by threonine, an amino acid with similar properties. This amino acid position is conserved. In addition, the in silico prediction for this alteration is inconclusive. Based on the available evidence, the clinical significance of this variant remains unclear.